The following is an entry in ClinVar:

NM_005573.4(LMNB1):c.1041G>A (p.Ala347=)

Gene: LMNB1 (lamin B1; plus strand). Cytogenetic location: 5q23.2.
Variant type: single nucleotide variant.
Coding change: c.1041G>A on transcript NM_005573.4 (MANE Select); coding-DNA position 1041, G replaced by A.
Protein change: p.Ala347=; no amino-acid change (alanine 347 retained).
Molecular consequence: synonymous variant. On other transcripts: non-coding transcript variant (1).
Genome position (GRCh38, 1-based): chr5:126,819,023, G>A. VCF-style: chr5-126819023-G-A. GRCh37 (hg19) VCF-style: chr5-126154715-G-A.
Other names: c.411G>A, p.Ala137= (NM_001198557.2).
Identifiers: ClinVar variation 750518 (VCV000750518.14), dbSNP rs202037109, ClinGen allele CA3390624.

ClinVar aggregate classification (germline): Likely benign. Review status: criteria provided, multiple submitters, no conflicts (2 of 4 stars). 3 submissions from 3 submitters: Likely benign (3). Last evaluated 2025-06-01.

Allele frequency attached by ClinVar (database versions not stated): ExAC 0.00002; gnomAD 0.00003; gnomAD exomes 0.00003 and 0.00006; TOPMed 0.00003.
gnomAD v4.1: 87 of 1,613,936 alleles (0.0054%); highest among the groups gnomAD compares: Non-Finnish European, 0.0068%; no homozygotes.

Submissions (3):

CeGaT Center for Human Genetics Tuebingen
Classification: Likely benign. Last evaluated: 2025-06-01. Review status: criteria provided, single submitter. Criteria: CeGaT Center For Human Genetics Tuebingen Variant Classification Criteria Version 2. Collection method: clinical testing. Allele origin: germline. Affected: yes. Observed: 1 variant allele.
Comment: LMNB1: BP4, BP7

Blueprint Genetics
Classification: Likely benign. Last evaluated: 2020-09-14. Review status: criteria provided, single submitter. Criteria: ACMG Guidelines, 2015. Collection method: clinical testing. Allele origin: germline.

Labcorp Genetics (formerly Invitae), Labcorp
Classification: Likely benign. Last evaluated: 2018-06-08. Review status: criteria provided, single submitter. Criteria: Invitae Variant Classification Sherloc (09022015). Collection method: clinical testing. Allele origin: germline.